The following is an entry in ClinVar:

ClinVar aggregate classification (germline): Uncertain significance (1 of 4 stars; one submission).

Allele frequency attached by ClinVar (database versions not stated): gnomAD exomes below 0.00001.
gnomAD v4.1: 1 of 1,613,092 alleles (0.000062%); highest among the groups gnomAD compares: African/African-American, 0.0013%; no homozygotes.

Submission:

GeneDx
Classification: Uncertain significance. Last evaluated: 2019-08-28. Review status: criteria provided, single submitter. Criteria: GeneDx Variant Classification Process June 2021. Collection method: clinical testing. Allele origin: germline. Affected: yes.
Comment: In silico analysis, which includes protein predictors and evolutionary conservation, supports a deleterious effect; Has not been previously published as pathogenic or benign to our knowledge

NM_001330078.2(NRXN1):c.2780T>C (p.Met927Thr)

Gene: NRXN1 (neurexin 1; minus strand). Cytogenetic location: 2p16.3.
Variant type: single nucleotide variant.
Coding change: c.2780T>C on transcript NM_001330078.2 (MANE Select); coding-DNA position 2780, T replaced by C.
Protein change: p.Met927Thr; replaces methionine 927 with threonine.
Molecular consequence: missense variant.
Genome position (GRCh38, 1-based): chr2:50,497,432, A>G on the plus strand (T>C on the coding strand, the complement: NRXN1 is on the minus strand). VCF-style: chr2-50497432-A-G. GRCh37 (hg19) VCF-style: chr2-50724570-A-G.
Other names: c.2900T>C, p.Met967Thr (NM_001135659.3); c.2756T>C, p.Met919Thr (NM_001330077.2, NM_001330082.2); c.2714T>C, p.Met905Thr (NM_001330083.2, NM_001330084.2); c.2753T>C, p.Met918Thr (NM_001330085.2); c.2780T>C, p.Met927Thr (NM_001330086.2, NM_004801.6); c.2669T>C, p.Met890Thr (NM_001330087.2, NM_001330096.2); c.2699T>C, p.Met900Thr (NM_001330088.2); c.2777T>C, p.Met926Thr (NM_001330093.2); and 2 more; short protein forms M890T, M900T, M905T, M910T, M918T, M919T, M923T, M926T.
Identifiers: ClinVar variation 1316817 (VCV001316817.2), dbSNP rs1352284294, ClinGen allele CA346776891.
Genomic context (GRCh38, chr2:50,497,432, plus strand): 5'-CCACTGTTATATAGAATTAATCCATCTAGGGATGTTGTCTTGAACTGGAAAAAAAGATGC[A>G]TAGAAGTGTAGGCTTGCAAGGTAGCTAAGGCAACATAGCTCGATTTGGTCTTGAAGGTGA-3'
Protein context (NP_001317007.1, residues 917-937): ALATLQAYTS[Met927Thr]HLFFQFKTTS